The following is an entry in ClinVar:

ClinVar aggregate classification (germline): Likely pathogenic. Review status: criteria provided, multiple submitters, no conflicts (2 of 4 stars). 2 submissions from 2 submitters: Likely pathogenic (2). Last evaluated 2024-07-28.

Conditions:
SPTB-related disorder. Also called: SPTB-related condition; SPTB-Related Disorders.

Submissions (2):

Revvity Omics, Revvity
Classification: Likely pathogenic. Last evaluated: 2024-07-28. Review status: criteria provided, single submitter. Criteria: ACMG Guidelines, 2015. Collection method: clinical testing. Allele origin: germline.

PreventionGenetics, part of Exact Sciences
Classification: Likely pathogenic for SPTB-related condition. Last evaluated: 2023-10-11. Review status: criteria provided, single submitter. Criteria: ACMG Guidelines, 2015. Collection method: clinical testing. Allele origin: germline.
Comment: The SPTB c.4843-1G>T variant is predicted to disrupt the AG splice acceptor site and interfere with normal splicing. To our knowledge, this variant has not been reported in the literature or in a large population database, indicating this variant is rare. Variants that disrupt the consensus splice acceptor site in SPTB are expected to be pathogenic. This variant is interpreted as likely pathogenic.

NM_001355436.2(SPTB):c.4843-1G>T

Gene: SPTB (spectrin beta, erythrocytic; minus strand). Cytogenetic location: 14q23.3.
Variant type: single nucleotide variant.
Coding change: c.4843-1G>T on transcript NM_001355436.2 (MANE Select); the canonical splice acceptor site of the intron before coding-DNA position 4843, G replaced by T.
Molecular consequence: splice acceptor variant.
Genome position (GRCh38, 1-based): chr14:64,774,528, C>A on the plus strand (G>T on the coding strand, the complement: SPTB is on the minus strand). VCF-style: chr14-64774528-C-A. GRCh37 (hg19) VCF-style: chr14-65241246-C-A.
Other names: c.4843-1G>T (NM_001024858.4, NM_001355437.2).
Identifiers: ClinVar variation 2633939 (VCV002633939.2), dbSNP rs2503066387, ClinGen allele CA390043368.